The following is an entry in ClinVar:

ClinVar aggregate classification (germline): Conflicting classifications of pathogenicity. Review status: criteria provided, conflicting classifications (1 of 4 stars). 7 submissions from 7 submitters: Uncertain significance (1); Benign (1); Likely benign (5). Last evaluated 2026-02-03.

Conditions:
Cardiomyopathy (CMYO). Also called: Cardiomyopathies. Identifiers: Orphanet 167848, MedGen C0878544, MONDO:0004994, HP:0001638. Inheritance: Various modes of inheritance.
Cardiovascular phenotype. Identifiers: MedGen CN230736.
Arrhythmogenic right ventricular dysplasia 10. Also called: Arrhythmogenic right ventricular dysplasia/cardiomyopathy, type 10; Arrhythmogenic Right Ventricular Dysplasia/Cardiomyopathy10; ARRHYTHMOGENIC RIGHT VENTRICULAR DYSPLASIA, FAMILIAL, 10. Identifiers: MedGen C1857777, MONDO:0012434, OMIM 610193.

Allele frequency attached by ClinVar (database versions not stated): gnomAD 0.00004 and 0.00006; 1000 Genomes Project 30x 0.00016; 1000 Genomes Project 0.00020; TOPMed 0.00024.

Submissions (7):

Labcorp Genetics (formerly Invitae), Labcorp
Classification: Likely benign for Arrhythmogenic right ventricular dysplasia 10. Last evaluated: 2026-02-03. Review status: criteria provided, single submitter. Criteria: Invitae Variant Classification Sherloc (09022015). Collection method: clinical testing. Allele origin: germline.

Blueprint Genetics
Classification: Likely benign. Last evaluated: 2024-05-16. Review status: criteria provided, single submitter. Criteria: ACMG Guidelines, 2015. Collection method: clinical testing. Allele origin: germline.

CHEO Genetics Diagnostic Laboratory, Children's Hospital of Eastern Ontario
Classification: Benign for Cardiomyopathy. Last evaluated: 2020-06-26. Review status: criteria provided, single submitter. Criteria: ACMG Guidelines, 2015. Collection method: clinical testing. Allele origin: germline.

GeneDx
Classification: Likely benign. Last evaluated: 2019-05-30. Review status: criteria provided, single submitter. Criteria: GeneDx Variant Classification Process June 2021. Collection method: clinical testing. Allele origin: germline. Affected: yes.
Comment: This variant is associated with the following publications: (PMID: 24125834, 27005929)

Color Diagnostics, LLC DBA Color Health
Classification: Likely benign for Cardiomyopathy. Last evaluated: 2018-10-15. Review status: criteria provided, single submitter. Criteria: ACMG Guidelines, 2015. Collection method: clinical testing. Allele origin: germline.

Ambry Genetics
Classification: Likely benign for Cardiovascular phenotype. Last evaluated: 2017-12-07. Review status: criteria provided, single submitter. Criteria: Ambry Variant Classification Scheme 2023. Collection method: clinical testing. Allele origin: germline.

Laboratory for Molecular Medicine, Mass General Brigham Personalized Medicine
Classification: Uncertain significance. Last evaluated: 2015-03-16. Review status: criteria provided, single submitter. Criteria: LMM Criteria. Collection method: clinical testing. Allele origin: germline. Observed: 1 variant allele.
Comment: Variant classified as Uncertain Significance - Favor Benign. The p.Arg824Cys var iant in DSG2 has been reported previously in 2 Chinese individuals with clinical features of ARVC (Bao 2013). It has also been identified in 0.2% (17/8618) of E ast Asian chromosomes by the Exome Aggregation Consortium (ExAC; dbSNP rs201845396). Arginine (Arg) at position 824 is not conse rved in mammals or evolutionarily distant species and 2 mammals (black flying fo x and megabat) have a cysteine (Cys) at this position, raising the possibility t hat this change may be tolerated. Additional computational prediction tools do n ot provide strong support for or against an impact the protein. In summary, whil e the clinical significance of the p.Arg824Cys variant is uncertain, its frequen cy in general population, lack of evolutionary conservation, and presence of the variant amino acid in other mammals suggest that it is more likely to be benign

Literature cited by the submitters: PubMed 24125834 (cited by Ambry Genetics and Laboratory for Molecular Medicine, Mass General Brigham Personalized Medicine); PubMed 27005929 (cited by Ambry Genetics).

NM_001943.5(DSG2):c.2470C>T (p.Arg824Cys)

Genes: DSG2 (desmoglein 2; plus strand), DSG2-AS1 (DSG2 antisense RNA 1; minus strand). Cytogenetic location: 18q12.1.
Variant type: single nucleotide variant.
Coding change: c.2470C>T on transcript NM_001943.5 (MANE Select); coding-DNA position 2470, C replaced by T.
Protein change: p.Arg824Cys; replaces arginine 824 with cysteine.
Molecular consequence: missense variant. On other transcripts: non-coding transcript variant (1).
Genome position (GRCh38, 1-based): chr18:31,545,856, C>T. VCF-style: chr18-31545856-C-T. GRCh37 (hg19) VCF-style: chr18-29125819-C-T.
Other names: short protein forms R824C.
Identifiers: ClinVar variation 228633 (VCV000228633.24), dbSNP rs201845396, ClinGen allele CA046137.